The following is an entry in ClinVar:

NC_000009.11:g.(?_135771184)_(135781738_?)del

Gene: TSC1 (TSC complex subunit 1; minus strand). Cytogenetic location: 9q34.13.
Variant type: Deletion.
Identifiers: ClinVar variation 2422966 (VCV002422966.4).

ClinVar aggregate classification (germline): Pathogenic (1 of 4 stars; one submission).

Conditions:
Tuberous sclerosis 1 (TSC1). Identifiers: Orphanet 805, MedGen C1854465, MONDO:0008612, OMIM 191100.

Submission:

Labcorp Genetics (formerly Invitae), Labcorp
Classification: Pathogenic for Tuberous sclerosis 1. Last evaluated: 2022-03-22. Review status: criteria provided, single submitter. Criteria: Invitae Variant Classification Sherloc (09022015). Collection method: clinical testing. Allele origin: germline.
Comment: For these reasons, this variant has been classified as Pathogenic. This variant disrupts a region of the TSC1 protein in which other variant(s) (Deletion (Exons 21-23)) have been determined to be pathogenic (PMID: 11281455, 16225402, 17287951). This suggests that this is a clinically significant region of the protein, and that variants that disrupt it are likely to be disease-causing. A similar copy number variant has been observed in individual(s) with tuberous sclerosis complex (PMID: 32313033). In at least one individual the variant was observed to be de novo. This variant is a gross deletion of the genomic region encompassing exon(s) 15-23 of the TSC1 gene, which includes the termination codon. This deletion extends beyond the assayed region for this gene and therefore may encompass additional genes. While this deletion is not anticipated to lead to nonsense mediated decay, it is expected to alter mRNA translation or result in a truncated protein product.

Literature cited by the submitters: PubMed 11281455; PubMed 16225402; PubMed 17287951; PubMed 32313033.